The following is an entry in ClinVar:

NM_025114.4(CEP290):c.613C>G (p.Arg205Gly)

Gene: CEP290 (centrosomal protein 290; minus strand). Cytogenetic location: 12q21.32.
Variant type: single nucleotide variant.
Coding change: c.613C>G on transcript NM_025114.4 (MANE Select); coding-DNA position 613, C replaced by G.
Protein change: p.Arg205Gly; replaces arginine 205 with glycine.
Molecular consequence: missense variant.
Genome position (GRCh38, 1-based): chr12:88,130,324, G>C on the plus strand (C>G on the coding strand, the complement: CEP290 is on the minus strand). VCF-style: chr12-88130324-G-C. GRCh37 (hg19) VCF-style: chr12-88524101-G-C.
Other names: short protein forms R205G.
Identifiers: ClinVar variation 2151060 (VCV002151060.1), dbSNP rs137852835, ClinGen allele CA385986280.

ClinVar aggregate classification (germline): Uncertain significance (1 of 4 stars; one submission).

Conditions:
Joubert syndrome. Also called: CEREBELLOPARENCHYMAL DISORDER IV; JOUBERT-BOLTSHAUSER SYNDROME; Familial aplasia of the vermis. Identifiers: Orphanet 475, MedGen C5979921, MONDO:0018772.
Nephronophthisis. Also called: Juvenile Nephronophthisis. Identifiers: Orphanet 655, MedGen C0687120, MONDO:0019005, HP:0000090.
Meckel-Gruber syndrome. Also called: DYSENCEPHALIA SPLANCHNOCYSTICA; GRUBER SYNDROME; Dysencephalia splachnocystica. Identifiers: Orphanet 564, MedGen C0265215, MONDO:0018921.

gnomAD v4.1: 2 of 1,607,248 alleles (0.00012%); highest among the groups gnomAD compares: South Asian, 0.0022%; no homozygotes.

Submission:

Labcorp Genetics (formerly Invitae), Labcorp
Classification: Uncertain significance for Joubert syndrome; Meckel-Gruber syndrome; Nephronophthisis. Last evaluated: 2022-04-12. Review status: criteria provided, single submitter. Criteria: Invitae Variant Classification Sherloc (09022015). Collection method: clinical testing. Allele origin: germline.
Comment: This sequence change replaces arginine, which is basic and polar, with glycine, which is neutral and non-polar, at codon 205 of the CEP290 protein (p.Arg205Gly). This variant is present in population databases (no rsID available, gnomAD 0.003%). This variant has not been reported in the literature in individuals affected with CEP290-related conditions. Algorithms developed to predict the effect of missense changes on protein structure and function are either unavailable or do not agree on the potential impact of this missense change (SIFT: "Tolerated"; PolyPhen-2: "Possibly Damaging"; Align-GVGD: "Class C0"). In summary, the available evidence is currently insufficient to determine the role of this variant in disease. Therefore, it has been classified as a Variant of Uncertain Significance.